The following is an entry in ClinVar:

ClinVar aggregate classification (germline): Uncertain significance. Review status: criteria provided, multiple submitters, no conflicts (2 of 4 stars). 2 submissions from 2 submitters: Uncertain significance (2). Last evaluated 2023-10-25.

Conditions:
Primary dilated cardiomyopathy (DCM). Also called: Dilated Cardiomyopathy. Identifiers: Orphanet 217604, MedGen C0007193, MeSH D002311, MONDO:0005021, HP:0001644. Inheritance: Various modes of inheritance.
Cardiovascular phenotype. Identifiers: MedGen CN230736.

Allele frequency attached by ClinVar (database versions not stated): gnomAD exomes below 0.00001; gnomAD 0.00001; TOPMed 0.00001.
gnomAD v4.1: 3 of 1,613,212 alleles (0.00019%); highest among the groups gnomAD compares: Non-Finnish European, 0.00025%; no homozygotes.

Submissions (2):

Ambry Genetics
Classification: Uncertain significance for Cardiovascular phenotype. Last evaluated: 2023-10-25. Review status: criteria provided, single submitter. Criteria: Ambry Variant Classification Scheme 2023. Collection method: clinical testing. Allele origin: germline.
Comment: The c.104-1G>A intronic variant results from a G to A substitution one nucleotide before coding exon 2 of the TXNRD2 gene. This nucleotide position is well conserved in available vertebrate species. In silico splice site analysis predicts that this alteration may weaken the native splice acceptor site and may result in the creation or strengthening of a novel splice acceptor site. Alterations that disrupt the canonical splice site are expected to cause aberrant splicing, resulting in an abnormal protein or a transcript that is subject to nonsense-mediated mRNA decay. However, loss of function of TXNRD2 has not been established as a mechanism of disease. The evidence for this gene-disease relationship is limited; therefore, the clinical significance of this alteration is unclear.

Labcorp Genetics (formerly Invitae), Labcorp
Classification: Uncertain significance for Primary dilated cardiomyopathy. Last evaluated: 2022-06-09. Review status: criteria provided, single submitter. Criteria: Invitae Variant Classification Sherloc (09022015). Collection method: clinical testing. Allele origin: germline.
Comment: In summary, the available evidence is currently insufficient to determine the role of this variant in disease. Therefore, it has been classified as a Variant of Uncertain Significance. Algorithms developed to predict the effect of sequence changes on RNA splicing suggest that this variant may disrupt the consensus splice site. ClinVar contains an entry for this variant (Variation ID: 1021455). This variant has not been reported in the literature in individuals affected with TXNRD2-related conditions. This variant is present in population databases (no rsID available, gnomAD 0.002%). This sequence change affects an acceptor splice site in intron 1 of the TXNRD2 gene. It is expected to disrupt RNA splicing. Variants that disrupt the donor or acceptor splice site typically lead to a loss of protein function (PMID: 16199547), however the current clinical and genetic evidence is not sufficient to establish whether loss-of-function variants in TXNRD2 cause disease.

Literature cited by the submitters: PubMed 16199547 (cited by Labcorp Genetics (formerly Invitae), Labcorp).

NM_006440.5(TXNRD2):c.104-1G>A

Gene: TXNRD2 (thioredoxin reductase 2; minus strand). Cytogenetic location: 22q11.21.
Variant type: single nucleotide variant.
Coding change: c.104-1G>A on transcript NM_006440.5 (MANE Select); the canonical splice acceptor site of the intron before coding-DNA position 104, G replaced by A.
Molecular consequence: splice acceptor variant. On other transcripts: intron variant (1).
Genome position (GRCh38, 1-based): chr22:19,931,099, C>T on the plus strand (G>A on the coding strand, the complement: TXNRD2 is on the minus strand). VCF-style: chr22-19931099-C-T. GRCh37 (hg19) VCF-style: chr22-19918622-C-T.
Other names: c.104-4G>A (NM_001352300.2); c.-185-1G>A (NM_001352302.2); c.14-1G>A (NM_001352301.2); c.104-1G>A (NM_001282512.3, NM_006440.3); c.8-1G>A (NM_001352303.2).
Identifiers: ClinVar variation 1021455 (VCV001021455.8), dbSNP rs781473800, ClinGen allele CA322108262.
Genomic context (GRCh38, chr22:19,931,099, plus strand): 5'-CACAAGCCAGGCCACCAGATCCCCCGCCGACCACCAGGAGATCATAGTCCCGCTGACCTG[C>T]TGAGAGAAGGGATGAGAGGTGGGACGGACTGTCTGTCTGGTTAAACGTGGTACAGGATCA-3'